The following is an entry in ClinVar:

ClinVar aggregate classification (germline): Uncertain significance (1 of 4 stars; one submission).

Conditions:
Galactosylceramide beta-galactosidase deficiency. Also called: Leukodystrophy, Globoid Cell; Krabbe Disease; GALACTOCEREBROSIDASE DEFICIENCY; GALC DEFICIENCY; GLOBOID CELL LEUKOENCEPHALOPATHY. Identifiers: Orphanet 487, MedGen C0023521, MONDO:0009499, OMIM 245200.

Submission:

Labcorp Genetics (formerly Invitae), Labcorp
Classification: Uncertain significance for Galactosylceramide beta-galactosidase deficiency. Last evaluated: 2025-12-06. Review status: criteria provided, single submitter. Criteria: Invitae Variant Classification Sherloc (09022015). Collection method: clinical testing. Allele origin: germline.
Comment: This sequence change replaces alanine, which is neutral and non-polar, with valine, which is neutral and non-polar, at codon 626 of the GALC protein (p.Ala626Val). This variant is not present in population databases (gnomAD no frequency). This variant has not been reported in the literature in individuals affected with GALC-related conditions. Invitae Evidence Modeling of protein sequence and biophysical properties (such as structural, functional, and spatial information, amino acid conservation, physicochemical variation, residue mobility, and thermodynamic stability) has been performed for this missense variant. However, the output from this modeling did not meet the statistical confidence thresholds required to predict the impact of this variant on GALC protein function. In summary, the available evidence is currently insufficient to determine the role of this variant in disease. Therefore, it has been classified as a Variant of Uncertain Significance.

NM_000153.4(GALC):c.1877C>T (p.Ala626Val)

Gene: GALC (galactosylceramidase; minus strand). Cytogenetic location: 14q31.3.
Variant type: single nucleotide variant.
Coding change: c.1877C>T on transcript NM_000153.4 (MANE Select); coding-DNA position 1877, C replaced by T.
Protein change: p.Ala626Val; replaces alanine 626 with valine.
Molecular consequence: missense variant. On other transcripts: non-coding transcript variant (1).
Genome position (GRCh38, 1-based): chr14:87,939,939, G>A on the plus strand (C>T on the coding strand, the complement: GALC is on the minus strand). VCF-style: chr14-87939939-G-A. GRCh37 (hg19) VCF-style: chr14-88406283-G-A.
Other names: c.1808C>T, p.Ala603Val (NM_001201401.2); c.1799C>T, p.Ala600Val (NM_001201402.2); c.1709C>T, p.Ala570Val (NM_001424071.1, NM_001424072.1, NM_001424073.1); c.1529C>T, p.Ala510Val (NM_001424074.1, NM_001424075.1); c.1244C>T, p.Ala415Val (NM_001424076.1, NM_001424077.1); short protein forms A415V, A510V, A570V, A600V, A603V, A626V.
Identifiers: ClinVar variation 4802014 (VCV004802014.1).